The following is an entry in ClinVar:

ClinVar aggregate classification (germline): Uncertain significance (1 of 4 stars; one submission).

Conditions:
Thrombomodulin-related bleeding disorder (THPH12). Also called: Thrombophilia due to thrombomodulin defect. Identifiers: Orphanet 436169, MedGen C3280976, MONDO:0013775, OMIM 614486.

Submission:

Baylor Genetics
Classification: Uncertain significance for Thrombomodulin-related bleeding disorder. Last evaluated: 2020-07-08. Review status: criteria provided, single submitter. Criteria: ACMG Guidelines, 2015. Collection method: clinical testing. Allele origin: unknown. Affected: yes.
Comment: This variant was determined to be of uncertain significance according to ACMG Guidelines, 2015 [PMID:25741868].

NM_000361.3(THBD):c.994G>T (p.Glu332Ter)

Gene: THBD (thrombomodulin; minus strand). Cytogenetic location: 20p11.21.
Variant type: single nucleotide variant.
Coding change: c.994G>T on transcript NM_000361.3 (MANE Select); coding-DNA position 994, G replaced by T.
Protein change: p.Glu332Ter; replaces glutamic acid 332 with a stop codon.
Molecular consequence: nonsense.
Genome position (GRCh38, 1-based): chr20:23,048,511, C>A on the plus strand (G>T on the coding strand, the complement: THBD is on the minus strand). VCF-style: chr20-23048511-C-A. GRCh37 (hg19) VCF-style: chr20-23029148-C-A.
Other names: short protein forms E332*.
Identifiers: ClinVar variation 1029800 (VCV001029800.1), dbSNP rs1984641671, ClinGen allele CA408406507.